The following is an entry in ClinVar:

NM_001267550.2(TTN):c.97331G>A (p.Arg32444His)

Genes: TTN (titin; minus strand), TTN-AS1 (TTN antisense RNA 1; plus strand). Cytogenetic location: 2q31.2.
Variant type: single nucleotide variant.
Coding change: c.97331G>A on transcript NM_001267550.2 (MANE Select); coding-DNA position 97331, G replaced by A.
Protein change: p.Arg32444His; replaces arginine 32444 with histidine.
Molecular consequence: missense variant.
Genome position (GRCh38, 1-based): chr2:178,542,425, C>T on the plus strand (G>A on the coding strand, the complement: TTN is on the minus strand). VCF-style: chr2-178542425-C-T. GRCh37 (hg19) VCF-style: chr2-179407152-C-T.
Other names: p.Arg30803His; c.92408G>A, p.Arg30803His (NM_001256850.1); c.70136G>A, p.Arg23379His (NM_003319.4); c.70511G>A, p.Arg23504His (NM_133432.3); c.70712G>A, p.Arg23571His (NM_133437.4); c.89627G>A, p.Arg29876His (NM_133378.4); short protein forms R29876H, R32444H, R23379H, R23571H, R30803H, R23504H.
Identifiers: ClinVar variation 229553 (VCV000229553.21), dbSNP rs184922462, ClinGen allele CA1986574.
Genomic context (GRCh38, chr2:178,542,425, plus strand): 5'-AGTCTGGTAAACTTAAACGTGGACCTAGTCACTGATTCAGAAACGGGCAGCCATCCTGGA[C>T]GATGAGCGTCACGTTGTTCTACCACATAACCACTCAGTGGAGCACCACCGTCCAATTCAG-3'
Protein context (NP_001254479.2, residues 32434-32454): GYVVEQRDAH[Arg32444His]PGWLPVSESV

ClinVar aggregate classification (germline): Uncertain significance. Review status: criteria provided, multiple submitters, no conflicts (2 of 4 stars). 6 submissions from 6 submitters: Uncertain significance (6). Last evaluated 2025-12-22.

Conditions:
TTN-related disorder. Also called: TTN-related condition; TTN-related disease; TTN-related disorders.
Cardiomyopathy (CMYO). Also called: Cardiomyopathies. Identifiers: Orphanet 167848, MedGen C0878544, MONDO:0004994, HP:0001638. Inheritance: Various modes of inheritance.

Allele frequency attached by ClinVar (database versions not stated): TOPMed 0.00002.
gnomAD v4.1: 66 of 1,613,538 alleles (0.0041%); highest among the groups gnomAD compares: Admixed American, 0.01%; no homozygotes.

Submissions (6):

PreventionGenetics, part of Exact Sciences
Classification: Uncertain significance for TTN-related condition. Last evaluated: 2025-12-22. Review status: criteria provided, single submitter. Criteria: ACMG Guidelines, 2015. Collection method: clinical testing. Allele origin: germline.
Comment: The TTN c.97331G>A variant is predicted to result in the amino acid substitution p.Arg32444His. To our knowledge, this variant has not been reported in the literature. This variant is reported in 0.012% of alleles in individuals of Latino descent in gnomAD. At this time, the clinical significance of this variant is uncertain due to the absence of conclusive functional and genetic evidence.

CeGaT Center for Human Genetics Tuebingen
Classification: Uncertain significance. Last evaluated: 2025-06-01. Review status: criteria provided, single submitter. Criteria: CeGaT Center For Human Genetics Tuebingen Variant Classification Criteria Version 2. Collection method: clinical testing. Allele origin: germline. Affected: yes. Observed: 1 variant allele.

Mayo Clinic Laboratories, Mayo Clinic
Classification: Uncertain significance. Last evaluated: 2024-01-11. Review status: criteria provided, single submitter. Criteria: ACMG Guidelines, 2015. Collection method: clinical testing. Allele origin: germline. Observed: 1 variant allele.

CHEO Genetics Diagnostic Laboratory, Children's Hospital of Eastern Ontario
Classification: Uncertain significance for Cardiomyopathy. Last evaluated: 2018-01-15. Review status: criteria provided, single submitter. Criteria: ACMG Guidelines, 2015. Collection method: clinical testing. Allele origin: germline.

Eurofins Ntd Llc (ga)
Classification: Uncertain significance. Last evaluated: 2017-02-27. Review status: criteria provided, single submitter. Criteria: EGL Classification Definitions 2015. Collection method: clinical testing. Allele origin: germline. Observed: 2 variant alleles, 2 heterozygotes.

Laboratory for Molecular Medicine, Mass General Brigham Personalized Medicine
Classification: Uncertain significance. Last evaluated: 2015-02-16. Review status: criteria provided, single submitter. Criteria: LMM Criteria. Collection method: clinical testing. Allele origin: germline. Observed: 1 variant allele.
Comment: The p.Arg29876His variant in TTN has not been previously reported in individuals with cardiomyopathy, but has been identified in 1/11460 Latino chromosomes by t he Exome Aggregation Consortium (ExAC). Arginine (Arg) at position 29876 is conserved in evolution; however, 1 species (Southern platyfish) carries a histidine (His) at this position, raising the possibility that this change may be tolerated. In summary, the clinical significance of the p.Arg29876His variant is uncertain.